The following is an entry in ClinVar:

ClinVar aggregate classification (germline): Uncertain significance. Review status: criteria provided, multiple submitters, no conflicts (2 of 4 stars). 2 submissions from 2 submitters: Uncertain significance (2). Last evaluated 2025-02-19.

Allele frequency attached by ClinVar (database versions not stated): ExAC 0.00007; gnomAD 0.00007 and 0.00008; gnomAD exomes 0.00007 and 0.00008; ESP Exome Variant Server 0.00008; TOPMed 0.00012.
gnomAD v4.1: 107 of 1,604,350 alleles (0.0067%); highest among the groups gnomAD compares: Admixed American, 0.023%; no homozygotes.

Submissions (2):

Ambry Genetics
Classification: Uncertain significance. Last evaluated: 2025-02-19. Review status: criteria provided, single submitter. Criteria: Ambry Variant Classification Scheme 2023. Collection method: clinical testing. Allele origin: germline.

Labcorp Genetics (formerly Invitae), Labcorp
Classification: Uncertain significance. Last evaluated: 2023-10-18. Review status: criteria provided, single submitter. Criteria: Invitae Variant Classification Sherloc (09022015). Collection method: clinical testing. Allele origin: germline.
Comment: This sequence change replaces serine, which is neutral and polar, with threonine, which is neutral and polar, at codon 928 of the DSTYK protein (p.Ser928Thr). This variant is present in population databases (rs146033090, gnomAD 0.02%). This variant has not been reported in the literature in individuals affected with DSTYK-related conditions. ClinVar contains an entry for this variant (Variation ID: 1444806). An algorithm developed to predict the effect of missense changes on protein structure and function (PolyPhen-2) suggests that this variant is likely to be disruptive. In summary, the available evidence is currently insufficient to determine the role of this variant in disease. Therefore, it has been classified as a Variant of Uncertain Significance.

NM_015375.3(DSTYK):c.2782T>A (p.Ser928Thr)

Gene: DSTYK (dual serine/threonine and tyrosine protein kinase; minus strand). Cytogenetic location: 1q32.1.
Variant type: single nucleotide variant.
Coding change: c.2782T>A on transcript NM_015375.3 (MANE Select); coding-DNA position 2782, T replaced by A.
Protein change: p.Ser928Thr; replaces serine 928 with threonine.
Molecular consequence: missense variant.
Genome position (GRCh38, 1-based): chr1:205,147,566, A>T on the plus strand (T>A on the coding strand, the complement: DSTYK is on the minus strand). VCF-style: chr1-205147566-A-T. GRCh37 (hg19) VCF-style: chr1-205116694-A-T.
Other names: c.2647T>A, p.Ser883Thr (NM_199462.3); c.2782T>A (NM_015375.2); short protein forms S883T, S928T.
Identifiers: ClinVar variation 1444806 (VCV001444806.9), dbSNP rs146033090, ClinGen allele CA1352504.